The following is an entry in ClinVar:

ClinVar aggregate classification (germline): Likely benign. Review status: reviewed by expert panel (3 of 4 stars). 3 submissions from 3 submitters: Likely benign (1). 2 of the submissions do not count toward it. Last evaluated 2026-10-19.

Conditions:
Alexander disease (ALXDRD). Also called: Alexander's disease. Identifiers: Orphanet 58, MedGen C0270726, MONDO:0008752, OMIM 203450.

Allele frequency attached by ClinVar (database versions not stated): ExAC 0.00008; ESP Exome Variant Server 0.00008; gnomAD 0.00003; TOPMed 0.00004.
gnomAD v4.1: 65 of 1,608,112 alleles (0.004%); highest among the groups gnomAD compares: East Asian, 0.011%; no homozygotes.

Submissions (3):

ClinGen Leukodystrophy and Leukoencephalopathy Variant Curation Expert Panel, ClinGen
Classification: Likely benign for Alexander disease. Last evaluated: 2026-10-19. Review status: reviewed by expert panel. Criteria: ClinGen Leuko ACMG Specifications GFAP V1.0. Collection method: curation. Allele origin: germline. Inheritance: Autosomal dominant inheritance.
Comment: The c.107G>A variant in GFAP is a missense variant predicted to cause substitution of arginine by histidine at amino acid 36 (p.Arg36His). The Total GrpMax filtering allele frequency in gnomAD v4.1.1 is 0.00005960 from the South Asian genetic ancestry group (the lower threshold of the 95% CI of 10/90706 alleles), which is higher than the ClinGen Leukodystrophy and Leukoencephalopathy VCEP threshold (>0.00001) for BS1, and therefore meets this criterion (BS1). In summary, this variant meets the criteria to be classified as a likely benign variant for Alexander disease based on the ACMG/AMP criteria applied, as specified by the ClinGen Leukodystrophy and Leukoencephalopathy Expert Panel: BS1 (ClinGen Leukodystrophy and Leukoencephalopathy VCEP Specifications Version 1.0.0).

Labcorp Genetics (formerly Invitae), Labcorp
Classification: Uncertain significance. Last evaluated: 2025-02-02. Review status: criteria provided, single submitter. Criteria: Invitae Variant Classification Sherloc (09022015). Collection method: clinical testing. Allele origin: germline. Not counted in ClinVar's aggregate classification.
Comment: This sequence change replaces arginine, which is basic and polar, with histidine, which is basic and polar, at codon 36 of the GFAP protein (p.Arg36His). This variant is present in population databases (rs375709542, gnomAD 0.02%). This variant has not been reported in the literature in individuals affected with GFAP-related conditions. ClinVar contains an entry for this variant (Variation ID: 2053943). An algorithm developed to predict the effect of missense changes on protein structure and function outputs the following: PolyPhen-2: "Benign". The histidine amino acid residue is found in multiple mammalian species, which suggests that this missense change does not adversely affect protein function. In summary, the available evidence is currently insufficient to determine the role of this variant in disease. Therefore, it has been classified as a Variant of Uncertain Significance.

CeGaT Center for Human Genetics Tuebingen
Classification: Uncertain significance. Last evaluated: 2024-07-01. Review status: criteria provided, single submitter. Criteria: CeGaT Center For Human Genetics Tuebingen Variant Classification Criteria Version 2. Collection method: clinical testing. Allele origin: germline. Affected: yes. Observed: 1 variant allele. Not counted in ClinVar's aggregate classification.

NM_002055.5(GFAP):c.107G>A (p.Arg36His)

Gene: GFAP (glial fibrillary acidic protein; minus strand). Cytogenetic location: 17q21.31.
Variant type: single nucleotide variant.
Coding change: c.107G>A on transcript NM_002055.5 (MANE Select); coding-DNA position 107, G replaced by A.
Protein change: p.Arg36His; replaces arginine 36 with histidine.
Molecular consequence: missense variant.
Genome position (GRCh38, 1-based): chr17:44,915,380, C>T on the plus strand (G>A on the coding strand, the complement: GFAP is on the minus strand). VCF-style: chr17-44915380-C-T. GRCh37 (hg19) VCF-style: chr17-42992748-C-T.
Other names: NM_002055.5(GFAP):c.107G>A; p.Arg36His; c.107G>A, p.Arg36His (NM_001131019.3, NM_001242376.3, NM_001363846.2); short protein forms R36H.
Identifiers: ClinVar variation 2053943 (VCV002053943.22), dbSNP rs375709542, ClinGen allele CA8609102.
Genomic context (GRCh38, chr17:44,915,380, plus strand): 5'-CCAGCCAGGGAGAAATCCACCCGGGTCGGGAGTGGAGGGGGCATTCGAGCCAGGGAGAGG[C>T]GGGTGCCAGGACCCAGACGGCGGCCAGGAGCCAGGCCCCCCACCATCATCTCCCCTGAGG-3'
Protein context (NP_002046.1, residues 26-46): APGRRLGPGT[Arg36His]LSLARMPPPL